The following is an entry in ClinVar:

ClinVar aggregate classification (germline): Uncertain significance. Review status: criteria provided, multiple submitters, no conflicts (2 of 4 stars). 3 submissions from 3 submitters: Uncertain significance (3). Last evaluated 2022-11-15.

Conditions:
Hereditary cancer-predisposing syndrome. Also called: Tumor predisposition; Neoplastic Syndromes, Hereditary; Hereditary Cancer Syndrome; Hereditary neoplastic syndrome. Identifiers: Orphanet 140162, MedGen C0027672, MeSH D009386, MONDO:0015356.
Tuberous sclerosis 2 (TSC2). Identifiers: Orphanet 805, MedGen C1860707, MONDO:0013199, OMIM 613254.

gnomAD v4.1: 3 of 1,612,624 alleles (0.00019%); highest among the groups gnomAD compares: Non-Finnish European, 0.00025%; no homozygotes.

Submissions (3):

Labcorp Genetics (formerly Invitae), Labcorp
Classification: Uncertain significance for Tuberous sclerosis 2. Last evaluated: 2022-11-15. Review status: criteria provided, single submitter. Criteria: Invitae Variant Classification Sherloc (09022015). Collection method: clinical testing. Allele origin: germline.
Comment: In summary, the available evidence is currently insufficient to determine the role of this variant in disease. Therefore, it has been classified as a Variant of Uncertain Significance. Advanced modeling of protein sequence and biophysical properties (such as structural, functional, and spatial information, amino acid conservation, physicochemical variation, residue mobility, and thermodynamic stability) performed at Invitae indicates that this missense variant is not expected to disrupt TSC2 protein function. ClinVar contains an entry for this variant (Variation ID: 1059828). This variant has not been reported in the literature in individuals affected with TSC2-related conditions. This variant is not present in population databases (gnomAD no frequency). This sequence change replaces leucine, which is neutral and non-polar, with valine, which is neutral and non-polar, at codon 1190 of the TSC2 protein (p.Leu1190Val).

Sema4
Classification: Uncertain significance for Hereditary cancer-predisposing syndrome. Last evaluated: 2022-03-18. Review status: criteria provided, single submitter. Criteria: Sema4 Curation Guidelines. Collection method: curation. Allele origin: germline.
Comment: The TSC2 c.3568C>G (p.L1190V) variant has not been reported in the literature to our knowledge. This variant is not reported in the population database Genome Aggregation Database (PMID: 32461654). This variant has been reported in ClinVar (Variation ID: 1059828). Functional studies have not been performed, and in silico predictions of the variant's effect on protein function are inconclusive. The evidence is insufficient to meet ACMG/AMP criteria for classifying the variant as benign or pathogenic. Thus, the clinical significance of this variant is currently uncertain.

Ambry Genetics
Classification: Uncertain significance for Hereditary cancer-predisposing syndrome. Last evaluated: 2021-05-06. Review status: criteria provided, single submitter. Criteria: Ambry Variant Classification Scheme 2023. Collection method: clinical testing. Allele origin: germline.
Comment: The p.L1190V variant (also known as c.3568C>G), located in coding exon 29 of the TSC2 gene, results from a C to G substitution at nucleotide position 3568. The leucine at codon 1190 is replaced by valine, an amino acid with highly similar properties. This amino acid position is highly conserved in available vertebrate species. In addition, the in silico prediction for this alteration is inconclusive. Since supporting evidence is limited at this time, the clinical significance of this alteration remains unclear.

NM_000548.5(TSC2):c.3568C>G (p.Leu1190Val)

Gene: TSC2 (TSC complex subunit 2; plus strand). Cytogenetic location: 16p13.3.
Variant type: single nucleotide variant.
Coding change: c.3568C>G on transcript NM_000548.5 (MANE Select); coding-DNA position 3568, C replaced by G.
Protein change: p.Leu1190Val; replaces leucine 1190 with valine.
Molecular consequence: missense variant.
Genome position (GRCh38, 1-based): chr16:2,080,335, C>G. VCF-style: chr16-2080335-C-G. GRCh37 (hg19) VCF-style: chr16-2130336-C-G.
Other names: c.3436C>G, p.Leu1146Val (NM_001077183.3, NM_001370404.1); c.3568C>G, p.Leu1190Val (NM_001114382.3); c.3328C>G, p.Leu1110Val (NM_001318827.2); c.3292C>G, p.Leu1098Val (NM_001318829.2); c.2836C>G, p.Leu946Val (NM_001318831.2); c.3469C>G, p.Leu1157Val (NM_001318832.2); c.3439C>G, p.Leu1147Val (NM_001363528.2, NM_001370405.1, NM_021055.3); short protein forms L1098V, L1110V, L1146V, L1147V, L1157V, L1190V, L946V.
Identifiers: ClinVar variation 1059828 (VCV001059828.12), dbSNP rs2151461483, ClinGen allele CA394289586.